The following is an entry in ClinVar:

NM_018127.7(ELAC2):c.195G>A (p.Ala65=)

Gene: ELAC2 (elaC ribonuclease Z 2; minus strand). Cytogenetic location: 17p12.
Variant type: single nucleotide variant.
Coding change: c.195G>A on transcript NM_018127.7 (MANE Select); coding-DNA position 195, G replaced by A.
Protein change: p.Ala65=; no amino-acid change (alanine 65 retained).
Molecular consequence: synonymous variant.
Genome position (GRCh38, 1-based): chr17:13,017,753, C>T on the plus strand (G>A on the coding strand, the complement: ELAC2 is on the minus strand). VCF-style: chr17-13017753-C-T. GRCh37 (hg19) VCF-style: chr17-12921070-C-T.
Other names: p.Ala65=; c.195G>A, p.Ala65= (NM_001165962.2, NM_173717.2).
Identifiers: ClinVar variation 698763 (VCV000698763.17), dbSNP rs377291764, ClinGen allele CA8401812.

ClinVar aggregate classification (germline): Conflicting classifications of pathogenicity. Review status: criteria provided, conflicting classifications (1 of 4 stars). 5 submissions from 5 submitters: Uncertain significance (3); Likely benign (2). Last evaluated 2026-08-24.

Conditions:
Combined oxidative phosphorylation defect type 17. Also called: Combined oxidative phosphorylation deficiency 17. Identifiers: Orphanet 369913, MedGen C3809526, MONDO:0014190, OMIM 615440.
Prostate cancer, hereditary, 2 (HPC2). Identifiers: Orphanet 1331, MedGen C3539120, MONDO:0013872, OMIM 614731.

Allele frequency attached by ClinVar (database versions not stated): ESP Exome Variant Server 0.00016; gnomAD 0.00017 and 0.00019; TOPMed 0.00017; ExAC 0.00018; gnomAD exomes 0.00019 and 0.00027; 1000 Genomes Project 0.00020; 1000 Genomes Project 30x 0.00031.
gnomAD v4.1: 416 of 1,611,946 alleles (0.026%); highest among the groups gnomAD compares: Non-Finnish European, 0.034%; no homozygotes.

Submissions (6):

GeneDx
Classification: Uncertain significance. Last evaluated: 2026-08-24. Review status: criteria provided, single submitter. Criteria: GeneDx Variant Classification Process June 2021. Collection method: clinical testing. Allele origin: germline.
Comment: In silico analysis supports a deleterious effect on splicing; Has not been previously published as pathogenic or benign to our knowledge

Labcorp Genetics (formerly Invitae), Labcorp
Classification: Likely benign for Combined oxidative phosphorylation defect type 17. Last evaluated: 2026-01-28. Review status: criteria provided, single submitter. Criteria: Invitae Variant Classification Sherloc (09022015). Collection method: clinical testing. Allele origin: germline.

Mayo Clinic Laboratories, Mayo Clinic
Classification: Uncertain significance. Last evaluated: 2025-05-19. Review status: criteria provided, single submitter. Criteria: ACMG Guidelines, 2015. Collection method: clinical testing. Allele origin: germline. Observed: 2 variant alleles.
Comment: BS1

Blueprint Genetics
Classification: Likely benign. Last evaluated: 2024-09-20. Review status: criteria provided, single submitter. Criteria: ACMG Guidelines, 2015. Collection method: clinical testing. Allele origin: germline.

Fulgent Genetics
Classification: Uncertain significance for Prostate cancer, hereditary, 2; Combined oxidative phosphorylation defect type 17. Last evaluated: 2024-04-10. Review status: criteria provided, single submitter. Criteria: ACMG Guidelines, 2015. Collection method: clinical testing. Allele origin: germline.

Dr. Peter K. Rogan Lab, Western University
No classification provided (evidence only). Condition: Lung cancer. Review status: no classification provided. Collection method: in vitro. Allele origin: not applicable. Functional consequence: retained intron. Not counted in ClinVar's aggregate classification.